The following is an entry in ClinVar:

NM_024575.5(TIPE2):c.480T>A (p.Tyr160Ter)

Genes: TIPE2 (TNF alpha induced protein 8 like 2; plus strand), LYSMD1 (LysM domain containing 1; minus strand), TNFAIP8L2-SCNM1 (TNFAIP8L2-SCNM1 readthrough; plus strand). Cytogenetic location: 1q21.3.
Variant type: single nucleotide variant.
Coding change: c.480T>A on transcript NM_024575.5 (MANE Select); coding-DNA position 480, T replaced by A.
Protein change: p.Tyr160Ter; replaces tyrosine 160 with a stop codon.
Molecular consequence: nonsense. On other transcripts: intron variant (1).
Genome position (GRCh38, 1-based): chr1:151,159,177, T>A. VCF-style: chr1-151159177-T-A. GRCh37 (hg19) VCF-style: chr1-151131653-T-A.
Other names: c.-55+2455T>A (NM_001204848.2); short protein forms Y160*.
Identifiers: ClinVar variation 2691603 (VCV002691603.1), dbSNP rs762705314, ClinGen allele CA341932339.

ClinVar aggregate classification (germline): Uncertain significance (1 of 4 stars; one submission).

gnomAD v4.1: 22 of 1,614,186 alleles (0.0014%); highest among the groups gnomAD compares: Non-Finnish European, 0.0019%; no homozygotes.

Submission:

Women's Health and Genetics/Laboratory Corporation of America, LabCorp
Classification: Uncertain significance. Last evaluated: 2023-12-11. Review status: criteria provided, single submitter. Criteria: LabCorp Variant Classification Summary - May 2015. Collection method: clinical testing. Allele origin: germline.
Comment: Variant summary: TNFAIP8L2 c.480T>A (p.Tyr160X) results in a premature termination codon, predicted to cause a truncation of the encoded protein, however the molecular mechanism of disease attributed to TNFAIP8L2 is currently unknown. The variant allele was found at a frequency of 4e-06 in 251176 control chromosomes. The available data on variant occurrences in the general population are insufficient to allow any conclusion about variant significance. To our knowledge, no occurrence of c.480T>A in individuals affected with TNFAIP8L2-Related Disorders and no experimental evidence demonstrating its impact on protein function have been reported. No submitters have cited clinical-significance assessments for this variant to ClinVar after 2014. Based on the evidence outlined above, the variant was classified as uncertain significance.